The following is an entry in ClinVar:

NM_001291303.3(FAT4):c.14794T>G (p.Trp4932Gly)

Gene: FAT4 (FAT atypical cadherin 4; plus strand). Cytogenetic location: 4q28.1.
Variant type: single nucleotide variant.
Coding change: c.14794T>G on transcript NM_001291303.3 (MANE Select); coding-DNA position 14794, T replaced by G.
Protein change: p.Trp4932Gly; replaces tryptophan 4932 with glycine.
Molecular consequence: missense variant.
Genome position (GRCh38, 1-based): chr4:125,491,610, T>G. VCF-style: chr4-125491610-T-G. GRCh37 (hg19) VCF-style: chr4-126412765-T-G.
Other names: c.14791T>G, p.Trp4931Gly (NM_001291285.3); c.14788T>G, p.Trp4930Gly (NM_024582.6); short protein forms W4932G, W4930G, W4931G.
Identifiers: ClinVar variation 2127030 (VCV002127030.4), dbSNP rs764164348, ClinGen allele CA3074624.
Genomic context (GRCh38, chr4:125,491,610, plus strand): 5'-CCAGGCACTGCTGACAACACACTGCCCATGAAGCTAGGGCAGCAAGCAGGGACTTTCAAC[T>G]GGGACAACCTTTTGAACTGGGGCCCTGGCTTTGGCCATTATGTAGATGTTTTTAAAGATT-3'
Protein context (NP_001278232.1, residues 4922-4942): KLGQQAGTFN[Trp4932Gly]DNLLNWGPGF

ClinVar aggregate classification (germline): Uncertain significance (1 of 4 stars; one submission).

Allele frequency attached by ClinVar (database versions not stated): ExAC 0.00001; TOPMed 0.00001; gnomAD 0.00002.
gnomAD v4.1: 17 of 1,614,048 alleles (0.0011%); highest among the groups gnomAD compares: East Asian, 0.02%; no homozygotes.

Submission:

Labcorp Genetics (formerly Invitae), Labcorp
Classification: Uncertain significance. Last evaluated: 2022-04-18. Review status: criteria provided, single submitter. Criteria: Invitae Variant Classification Sherloc (09022015). Collection method: clinical testing. Allele origin: germline.
Comment: In summary, the available evidence is currently insufficient to determine the role of this variant in disease. Therefore, it has been classified as a Variant of Uncertain Significance. Algorithms developed to predict the effect of missense changes on protein structure and function (SIFT, PolyPhen-2, Align-GVGD) all suggest that this variant is likely to be disruptive. This variant has not been reported in the literature in individuals affected with FAT4-related conditions. This variant is present in population databases (rs764164348, gnomAD 0.006%). This sequence change replaces tryptophan, which is neutral and slightly polar, with glycine, which is neutral and non-polar, at codon 4930 of the FAT4 protein (p.Trp4930Gly).